The following is an entry in ClinVar:

NM_012424.6(RPS6KC1):c.214T>C (p.Phe72Leu)

Gene: RPS6KC1 (ribosomal protein S6 kinase C1; plus strand). Cytogenetic location: 1q32.3.
Variant type: single nucleotide variant.
Coding change: c.214T>C on transcript NM_012424.6 (MANE Select); coding-DNA position 214, T replaced by C.
Protein change: p.Phe72Leu; replaces phenylalanine 72 with leucine.
Molecular consequence: missense variant. On other transcripts: 5 prime UTR variant (23), non-coding transcript variant (4), intron variant (4).
Genome position (GRCh38, 1-based): chr1:213,077,768, T>C. VCF-style: chr1-213077768-T-C. GRCh37 (hg19) VCF-style: chr1-213251110-T-C.
Other names: c.178T>C, p.Phe60Leu (NM_001136138.4); c.-408T>C (NM_001287218.3, NM_001349650.2, NM_001349653.2 and 1 more transcripts); c.-330T>C (NM_001287219.3, NM_001349649.2); c.-1001T>C (NM_001287220.3, NM_001349666.2); c.214T>C, p.Phe72Leu (NM_001349646.2, NM_001349647.2); c.-399T>C (NM_001349648.2); c.-529T>C (NM_001349651.2); c.-479T>C (NM_001349652.2); and 13 more; short protein forms F72L, F60L.
Identifiers: ClinVar variation 2958551 (VCV002958551.3), dbSNP rs754894764, ClinGen allele CA1387085.

ClinVar aggregate classification (germline): Uncertain significance (1 of 4 stars; one submission).

Allele frequency attached by ClinVar (database versions not stated): TOPMed 0.00001; ExAC 0.00003; gnomAD 0.00003; gnomAD exomes 0.00003.
gnomAD v4.1: 45 of 1,567,946 alleles (0.0029%); highest among the groups gnomAD compares: South Asian, 0.0036%; no homozygotes.

Submission:

Labcorp Genetics (formerly Invitae), Labcorp
Classification: Uncertain significance. Last evaluated: 2023-12-23. Review status: criteria provided, single submitter. Criteria: Invitae Variant Classification Sherloc (09022015). Collection method: clinical testing. Allele origin: germline.
Comment: This sequence change replaces phenylalanine, which is neutral and non-polar, with leucine, which is neutral and non-polar, at codon 72 of the RPS6KC1 protein (p.Phe72Leu). This variant is present in population databases (rs754894764, gnomAD 0.03%). This variant has not been reported in the literature in individuals affected with RPS6KC1-related conditions. An algorithm developed to predict the effect of missense changes on protein structure and function (PolyPhen-2) suggests that this variant is likely to be disruptive. In summary, the available evidence is currently insufficient to determine the role of this variant in disease. Therefore, it has been classified as a Variant of Uncertain Significance.